The following is an entry in ClinVar:

ClinVar aggregate classification (germline): Benign (3 of 4 stars; one submission).

Conditions:
Breast-ovarian cancer, familial, susceptibility to, 2 (BROVCA2). Also called: BRCA2 Hereditary Breast and Ovarian Cancer. Identifiers: Orphanet 145, MedGen C2675520, MONDO:0012933, OMIM 612555. Disease mechanism: loss of function.

Allele frequency attached by ClinVar (database versions not stated): gnomAD 0.24401 and 0.24976; TOPMed 0.25270; 1000 Genomes Project 0.25839; 1000 Genomes Project 30x 0.26015.

Submission:

Evidence-based Network for the Interpretation of Germline Mutant Alleles (ENIGMA)
Classification: Benign for Breast-ovarian cancer, familial 2. Last evaluated: 2015-01-12. Review status: reviewed by expert panel. Criteria: ENIGMA BRCA1/2 Classification Criteria (2015). Collection method: curation. Allele origin: germline.
Comment: Class 1 not pathogenic based on frequency >1% in an outbred sampleset. Frequency 0.25 (Asian), 0.13 (African), 0.28 (European), derived from 1000 genomes (2012-04-30).

NM_000059.4(BRCA2):c.67+788_67+791del

Gene: BRCA2 (BRCA2 DNA repair associated; plus strand). Cytogenetic location: 13q13.1.
Variant type: Deletion.
Coding change: c.67+788_67+791del on transcript NM_000059.4 (MANE Select); bases 788 to 791 of the intron after coding-DNA position 67, 4 bases deleted (AAGT; older notation c.67+788_67+791delAAGT).
Molecular consequence: intron variant.
Genome position (GRCh38, 1-based): chr13:32,317,315-32,317,318, AAGT deleted. VCF-style (leftmost placement, unchanged base first): chr13-32317314-CAAGT-C. GRCh37 (hg19) VCF-style: chr13-32891451-CAAGT-C.
Other names: IVS 2+788del4.
Identifiers: ClinVar variation 209606 (VCV000209606.1), dbSNP rs11571577, ClinGen allele CA276575.
Genomic context (GRCh38, chr13:32,317,314, plus strand): 5'-ATGAAAGCTAACCCATTGCATATTATCACAACATTCTTAGGAAAAATAACTTTTTGAAAA[CAAGT>C]GAGTGGAATAGTTTTTACATTTTTGCAGTTCTCTTTAATGTCTGGCTAAATAGAGATAGC-3'